The following is an entry in ClinVar:

ClinVar aggregate classification (germline): Pathogenic (1 of 4 stars; one submission).

Conditions:
Oligodontia-cancer predisposition syndrome. Also called: TOOTH AGENESIS-COLORECTAL CANCER SYNDROME. Identifiers: Orphanet 300576, MedGen C1837750, MONDO:0012075, OMIM 608615. Disease mechanism: loss of function.

Submission:

Labcorp Genetics (formerly Invitae), Labcorp
Classification: Pathogenic for Oligodontia-cancer predisposition syndrome. Last evaluated: 2022-03-19. Review status: criteria provided, single submitter. Criteria: Invitae Variant Classification Sherloc (09022015). Collection method: clinical testing. Allele origin: germline.
Comment: This sequence change creates a premature translational stop signal (p.Glu336Aspfs*37) in the AXIN2 gene. It is expected to result in an absent or disrupted protein product. Loss-of-function variants in AXIN2 are known to be pathogenic (PMID: 15042511, 21416598). This variant is not present in population databases (gnomAD no frequency). This variant has not been reported in the literature in individuals affected with AXIN2-related conditions. For these reasons, this variant has been classified as Pathogenic.

Literature cited by the submitters: PubMed 15042511; PubMed 21416598.

NM_004655.4(AXIN2):c.1008_1009del (p.Glu336fs)

Gene: AXIN2 (axin 2; minus strand). Cytogenetic location: 17q24.1.
Variant type: Deletion.
Coding change: c.1008_1009del on transcript NM_004655.4 (MANE Select); coding-DNA positions 1008 to 1009, 2 bases deleted (AA; older notation c.1008_1009delAA).
Protein change: p.Glu336fs; shifts the reading frame from glutamic acid 336.
Molecular consequence: frameshift variant.
Genome position (GRCh38, 1-based): chr17:65,541,505-65,541,506, TT deleted on the plus strand (AA on the coding strand, the reverse complement: AXIN2 is on the minus strand); deleting any 2 consecutive bases within chr17:65,541,505-65,541,507 gives the same sequence; the c. name uses the placement nearest the transcript's 3' end. VCF-style (leftmost placement, unchanged base first): chr17-65541504-ATT-A. GRCh37 (hg19) VCF-style: chr17-63537622-ATT-A.
Other names: c.1008_1009del, p.Glu336fs (NM_001363813.1); short protein forms E336fs.
Identifiers: ClinVar variation 2114656 (VCV002114656.4), dbSNP rs2544196558, ClinGen allele CA2580094984.